The following is an entry in ClinVar:

NM_000053.4(ATP7B):c.404C>G (p.Ser135Ter)

Gene: ATP7B (ATPase copper transporting beta; minus strand). Cytogenetic location: 13q14.3.
Variant type: single nucleotide variant.
Coding change: c.404C>G on transcript NM_000053.4 (MANE Select); coding-DNA position 404, C replaced by G.
Protein change: p.Ser135Ter; replaces serine 135 with a stop codon.
Molecular consequence: nonsense.
Genome position (GRCh38, 1-based): chr13:51,974,816, G>C on the plus strand (C>G on the coding strand, the complement: ATP7B is on the minus strand). VCF-style: chr13-51974816-G-C. GRCh37 (hg19) VCF-style: chr13-52548952-G-C.
Other names: c.404C>G, p.Ser135Ter (NM_001005918.3, NM_001243182.2, NM_001330578.2 and 1 more transcripts); short protein forms S135*.
Identifiers: ClinVar variation 1454936 (VCV001454936.6), dbSNP rs2140103116, ClinGen allele CA388044087.

ClinVar aggregate classification (germline): Pathogenic (1 of 4 stars; one submission).

Conditions:
Wilson disease (WND). Also called: Wilson's disease. Identifiers: Orphanet 905, MedGen C0019202, MONDO:0010200, OMIM 277900. Disease mechanism: loss of function.

Allele frequency attached by ClinVar (database versions not stated): gnomAD exomes below 0.00001.
gnomAD v4.1: 1 of 1,614,196 alleles (0.000062%); highest among the groups gnomAD compares: Non-Finnish European, 0.000085%; no homozygotes.

Submission:

Labcorp Genetics (formerly Invitae), Labcorp
Classification: Pathogenic for Wilson disease. Last evaluated: 2024-07-23. Review status: criteria provided, single submitter. Criteria: Invitae Variant Classification Sherloc (09022015). Collection method: clinical testing. Allele origin: germline.
Comment: This sequence change creates a premature translational stop signal (p.Ser135*) in the ATP7B gene. It is expected to result in an absent or disrupted protein product. Loss-of-function variants in ATP7B are known to be pathogenic (PMID: 10441329, 16283883). This variant is not present in population databases (gnomAD no frequency). This premature translational stop signal has been observed in individual(s) with Wilson disease (PMID: 33640437). ClinVar contains an entry for this variant (Variation ID: 1454936). For these reasons, this variant has been classified as Pathogenic.

Literature cited by the submitters: PubMed 10441329; PubMed 16283883; PubMed 33640437.